The following is an entry in ClinVar:

NM_000135.4(FANCA):c.827-6C>G

Gene: FANCA (FA complementation group A; minus strand). Cytogenetic location: 16q24.3.
Variant type: single nucleotide variant.
Coding change: c.827-6C>G on transcript NM_000135.4 (MANE Select); 6 bases into the intron before coding-DNA position 827, C replaced by G.
Molecular consequence: intron variant.
Genome position (GRCh38, 1-based): chr16:89,799,238, G>C on the plus strand (C>G on the coding strand, the complement: FANCA is on the minus strand). VCF-style: chr16-89799238-G-C. GRCh37 (hg19) VCF-style: chr16-89865646-G-C.
Other names: c.827-6C>G (NM_000135.3, NM_001286167.3, NM_001018112.3); c.731-6C>G (NM_001351830.2).
Identifiers: ClinVar variation 1152548 (VCV001152548.11), dbSNP rs756991336, ClinGen allele CA8252728.

ClinVar aggregate classification (germline): Conflicting classifications of pathogenicity. Review status: criteria provided, conflicting classifications (1 of 4 stars). 2 submissions from 2 submitters: Uncertain significance (1); Likely benign (1). Last evaluated 2025-07-21.

Conditions:
Fanconi anemia (FA). Also called: Fanconi's anemia. Identifiers: Orphanet 84, MedGen C0015625, MeSH D005199, MONDO:0019391.

Allele frequency attached by ClinVar (database versions not stated): ExAC 0.00002; gnomAD exomes 0.00004.
gnomAD v4.1: 45 of 1,613,812 alleles (0.0028%); highest among the groups gnomAD compares: South Asian, 0.025%; 1 homozygote.

Submissions (2):

Labcorp Genetics (formerly Invitae), Labcorp
Classification: Likely benign for Fanconi anemia. Last evaluated: 2025-07-21. Review status: criteria provided, single submitter. Criteria: Invitae Variant Classification Sherloc (09022015). Collection method: clinical testing. Allele origin: germline.

Quest Diagnostics Nichols Institute San Juan Capistrano
Classification: Uncertain significance. Last evaluated: 2025-04-08. Review status: criteria provided, single submitter. Criteria: Quest Diagnostics criteria. Collection method: clinical testing. Allele origin: unknown.
Comment: The FANCA c.827-6C>G variant has not been reported in individuals with FANCA-related conditions in the published literature. The frequency of this variant in the general population (Genome Aggregation Database) is uninformative in the assessment of its pathogenicity. Analysis of this variant using software algorithms for the prediction of the effect of nucleotide changes on FANCA mRNA splicing yielded inconclusive findings. Based on the available information, we are unable to determine the clinical significance of this variant.